The following is an entry in ClinVar:

ClinVar aggregate classification (germline): Uncertain significance (1 of 4 stars; one submission).

Conditions:
Adenylosuccinate lyase deficiency (ADSLD). Also called: ADSL DEFICIENCY. Identifiers: Orphanet 46, MedGen C0268126, MONDO:0007068, OMIM 103050.

Allele frequency attached by ClinVar (database versions not stated): gnomAD 0.00001; TOPMed 0.00001.

Submission:

Labcorp Genetics (formerly Invitae), Labcorp
Classification: Uncertain significance for Adenylosuccinate lyase deficiency. Last evaluated: 2022-08-31. Review status: criteria provided, single submitter. Criteria: Invitae Variant Classification Sherloc (09022015). Collection method: clinical testing. Allele origin: germline.
Comment: In summary, the available evidence is currently insufficient to determine the role of this variant in disease. Therefore, it has been classified as a Variant of Uncertain Significance. Experimental studies and prediction algorithms are not available or were not evaluated, and the functional significance of this variant is currently unknown. This variant has not been reported in the literature in individuals affected with ADSL-related conditions. This variant is not present in population databases (gnomAD no frequency). This variant occurs in a non-coding region of the ADSL gene. It does not change the encoded amino acid sequence of the ADSL protein.

NC_000022.11:g.40345855C>G

Gene: ADSL (adenylosuccinate lyase; plus strand). Cytogenetic location: 22q13.1.
Variant type: single nucleotide variant.
Genome position: GRCh38 VCF-style: chr22-40345855-C-G. GRCh37 (hg19) VCF-style: chr22-40741859-C-G.
Identifiers: ClinVar variation 1503890 (VCV001503890.5), dbSNP rs1307229331, ClinGen allele CA753179705.